The following is an entry in ClinVar:

ClinVar aggregate classification (germline): Benign/Likely benign. Review status: criteria provided, multiple submitters, no conflicts (2 of 4 stars). 4 submissions from 4 submitters: Benign (3); Likely benign (1). Last evaluated 2026-02-01.

Conditions:
Autosomal recessive limb-girdle muscular dystrophy type 2A (LGMDR1). Also called: Muscular dystrophy, limb-girdle, type 2A, Amish; LEYDEN-MOEBIUS MUSCULAR DYSTROPHY; MUSCULAR DYSTROPHY, PELVOFEMORAL; Limb-girdle muscular dystrophy, type 2A; Calpainopathy. Identifiers: Orphanet 267, MedGen C1869123, MONDO:0009675, OMIM 253600. Disease mechanism: loss of function.

Allele frequency attached by ClinVar (database versions not stated): gnomAD exomes 0.00048 and 0.00144; ExAC 0.00179; gnomAD 0.00541 and 0.00578; TOPMed 0.00645; ESP Exome Variant Server 0.00692; 1000 Genomes Project 0.00719; 1000 Genomes Project 30x 0.00765.
gnomAD v4.1: 1,572 of 1,613,640 alleles (0.097%); highest among the groups gnomAD compares: African/African-American, 1.8%; 16 homozygotes.

Submissions (4):

Labcorp Genetics (formerly Invitae), Labcorp
Classification: Benign for Autosomal recessive limb-girdle muscular dystrophy type 2A. Last evaluated: 2026-02-01. Review status: criteria provided, single submitter. Criteria: Invitae Variant Classification Sherloc (09022015). Collection method: clinical testing. Allele origin: germline.

Illumina Laboratory Services, Illumina
Classification: Likely benign for Limb-girdle muscular dystrophy, type 2A. Last evaluated: 2018-01-12. Review status: criteria provided, single submitter. Criteria: ICSL Variant Classification Criteria 13 December 2019. Collection method: clinical testing. Allele origin: germline.
Comment: This variant was observed in the ICSL laboratory as part of a predisposition screen in an ostensibly healthy population. It had not been previously curated by ICSL or reported in the Human Gene Mutation Database (HGMD: prior to June 1st, 2018), and was therefore a candidate for classification through an automated scoring system. Utilizing variant allele frequency, disease prevalence and penetrance estimates, and inheritance mode, an automated score was calculated to assess if this variant is too frequent to cause the disease. Based on the score and internal cut-off values, a variant classified as likely benign is not then subjected to further curation. The score for this variant resulted in a classification of likely benign for this disease.

GeneDx
Classification: Benign. Last evaluated: 2017-03-21. Review status: criteria provided, single submitter. Criteria: GeneDx Variant Classification (06012015). Collection method: clinical testing. Allele origin: germline. Affected: yes.
Comment: This variant is considered likely benign or benign based on one or more of the following criteria: it is a conservative change, it occurs at a poorly conserved position in the protein, it is predicted to be benign by multiple in silico algorithms, and/or has population frequency not consistent with disease.

PreventionGenetics, part of Exact Sciences
Classification: Benign. Review status: criteria provided, single submitter. Criteria: ACMG Guidelines, 2015. Collection method: clinical testing. Allele origin: germline.

NM_000070.3(CAPN3):c.2381-12A>G

Gene: CAPN3 (calpain 3; plus strand). Cytogenetic location: 15q15.1.
Variant type: single nucleotide variant.
Coding change: c.2381-12A>G on transcript NM_000070.3 (MANE Select); 12 bases into the intron before coding-DNA position 2381, A replaced by G.
Molecular consequence: intron variant.
Genome position (GRCh38, 1-based): chr15:42,411,275, A>G. VCF-style: chr15-42411275-A-G. GRCh37 (hg19) VCF-style: chr15-42703473-A-G.
Other names: c.2363-12A>G (NM_024344.2); c.2105-12A>G (NM_173087.2); c.845-12A>G (NM_173088.2); c.386-12A>G (NM_173090.2, NM_173089.2).
Identifiers: ClinVar variation 254869 (VCV000254869.14), dbSNP rs73402734, ClinGen allele CA7511860.